The following is an entry in ClinVar:

ClinVar aggregate classification (germline): Pathogenic (1 of 4 stars; one submission).

Conditions:
Cardiovascular phenotype. Identifiers: MedGen CN230736.
Hereditary cancer-predisposing syndrome. Also called: Tumor predisposition; Neoplastic Syndromes, Hereditary; Hereditary Cancer Syndrome; Hereditary neoplastic syndrome. Identifiers: Orphanet 140162, MedGen C0027672, MeSH D009386, MONDO:0015356.

Submission:

Ambry Genetics
Classification: Pathogenic for Cardiovascular phenotype; Hereditary cancer-predisposing syndrome. Last evaluated: 2025-02-03. Review status: criteria provided, single submitter. Criteria: Ambry Variant Classification Scheme 2023. Collection method: clinical testing. Allele origin: germline.
Comment: The c.1058_1059delAGinsC pathogenic mutation, located in coding exon 10 of the LZTR1 gene, results from the deletion of two nucleotides and insertion of one nucleotide causing a translational frameshift with a predicted alternate stop codon (p.E353Afs*108). This alteration is expected to result in loss of function by premature protein truncation or nonsense-mediated mRNA decay. Loss-of-function variants in LZTR1 are related to an increased risk for schwannomas and autosomal recessive Noonan syndrome; however, such associations with autosomal dominant Noonan syndrome have not been observed (Piotrowski A et al. Nat Genet. 2014 Feb;46:182-7; Yamamoto GL et al. J Med Genet. 2015 Jun;52:413-21; Johnston JJ et al. Genet Med. 2018 10;20:1175-1185). Based on the supporting evidence, this variant is pathogenic for an increased risk of LZTR1-related schwannomatosis (SWN) and would be expected to cause autosomal recessive Noonan syndrome when present along with a second pathogenic or likely pathogenic variant on the other allele; however, the association of this alteration with autosomal dominant Noonan syndrome is unlikely.

NM_006767.4(LZTR1):c.1058_1059delinsC (p.Glu353fs)

Gene: LZTR1 (leucine zipper like post translational regulator 1; plus strand). Cytogenetic location: 22q11.21.
Variant type: Indel.
Coding change: c.1058_1059delinsC on transcript NM_006767.4 (MANE Select); coding-DNA positions 1058 to 1059, AG replaced by C.
Protein change: p.Glu353fs; shifts the reading frame from glutamic acid 353.
Molecular consequence: frameshift variant.
Genome position (GRCh38, 1-based): chr22:20,992,278-20,992,279, AG replaced by C. VCF-style: chr22-20992278-AG-C. GRCh37 (hg19) VCF-style: chr22-21346567-AG-C.
Other names: short protein forms E353fs.
Identifiers: ClinVar variation 3869301 (VCV003869301.1).
Genomic context (GRCh38, chr22:20,992,278, plus strand): 5'-GTGGGGCTGAAGTGCCCGAGCGAGCCTGTGCTTCCGAGGAGGTGCCCACCCTGACCTATG[AG>C]GAGCGGGTTGGCTTCAAGAAGTCCCGAGATGTGTTTGGCCTGGACTTTGGCACCACCTCA-3'